The following is an entry in ClinVar:

NM_005585.5(SMAD6):c.692G>C (p.Arg231Pro)

Gene: SMAD6 (SMAD family member 6; plus strand). Cytogenetic location: 15q22.31.
Variant type: single nucleotide variant.
Coding change: c.692G>C on transcript NM_005585.5 (MANE Select); coding-DNA position 692, G replaced by C.
Protein change: p.Arg231Pro; replaces arginine 231 with proline.
Molecular consequence: missense variant. On other transcripts: non-coding transcript variant (1).
Genome position (GRCh38, 1-based): chr15:66,703,950, G>C. VCF-style: chr15-66703950-G-C. GRCh37 (hg19) VCF-style: chr15-66996288-G-C.
Other names: short protein forms R231P.
Identifiers: ClinVar variation 590963 (VCV000590963.7), dbSNP rs1419095990, ClinGen allele CA392950052.

ClinVar aggregate classification (germline): Conflicting classifications of pathogenicity. Review status: criteria provided, conflicting classifications (1 of 4 stars). 3 submissions from 3 submitters: Likely pathogenic (1); Uncertain significance (1). 1 of the submissions does not count toward it. Last evaluated 2025-01-06.

Conditions:
Aortic valve disease 2 (AOVD2). Identifiers: MedGen C3542024, MONDO:0013902, OMIM 614823.
Aortic valve disease 1 (AOVD1). Identifiers: MedGen C3887892, MONDO:0024523, OMIM 109730.

gnomAD v4.1: 3 of 1,406,920 alleles (0.00021%); highest among the groups gnomAD compares: Non-Finnish European, 0.00028%; no homozygotes.

Submissions (3):

GeneDx
Classification: Likely pathogenic. Last evaluated: 2025-01-06. Review status: criteria provided, single submitter. Criteria: GeneDx Variant Classification Process June 2021. Collection method: clinical testing. Allele origin: germline. Affected: yes.
Comment: Observed with a second SMAD6 variant, phase unknown, in a patient with hypoplastic left coronary leaflet and progressive aortic dilatation of ascending aorta as well as scoliosis, radioulnar synostoses, dysmorphism, myopia, developmental delay, and mild disability in published literature; the patient also harbored a deletion of 15q11.2 (PMID: 30796334); Not observed at significant frequency in large population cohorts (gnomAD); In silico analysis supports that this missense variant has a deleterious effect on protein structure/function; This variant is associated with the following publications: (PMID: 30796334)

Labcorp Genetics (formerly Invitae), Labcorp
Classification: Uncertain significance for Aortic valve disease 2. Last evaluated: 2024-01-26. Review status: criteria provided, single submitter. Criteria: Invitae Variant Classification Sherloc (09022015). Collection method: clinical testing. Allele origin: germline.
Comment: This sequence change replaces arginine, which is basic and polar, with proline, which is neutral and non-polar, at codon 231 of the SMAD6 protein (p.Arg231Pro). This variant is not present in population databases (gnomAD no frequency). This missense change has been observed in individual(s) with SMAD6-related conditions (PMID: 30796334). ClinVar contains an entry for this variant (Variation ID: 590963). Advanced modeling of protein sequence and biophysical properties (such as structural, functional, and spatial information, amino acid conservation, physicochemical variation, residue mobility, and thermodynamic stability) has been performed at Invitae for this missense variant, however the output from this modeling did not meet the statistical confidence thresholds required to predict the impact of this variant on SMAD6 protein function. In summary, the available evidence is currently insufficient to determine the role of this variant in disease. Therefore, it has been classified as a Variant of Uncertain Significance.

Centre of Medical Genetics, University of Antwerp
Classification: Uncertain significance for Aortic valve disease 1. Last evaluated: 2020-06-04. Review status: no assertion criteria provided. Collection method: research. Allele origin: inherited. Affected: yes. Observed: 1 variant allele. Not counted in ClinVar's aggregate classification.

Literature cited by the submitters: PubMed 30796334 (cited by Labcorp Genetics (formerly Invitae), Labcorp).